The following is an entry in ClinVar:

GRCh38/hg38 Xq28(chrX:149500166-149585093)x2

Genes: EOLA1 (endothelium and lymphocyte associated ASCH domain 1; plus strand), EOLA1-DT (EOLA1 divergent transcript; minus strand), HSFX3 (heat shock transcription factor family, X-linked member 3; minus strand), IDS (iduronate 2-sulfatase; minus strand), MAGEA9B (MAGE family member A9B; minus strand) and 9 more. Cytogenetic location: Xq28.
Variant type: copy number gain.
Change: copy number 2 of chrX:149,500,166-149,585,093 (84.9 kb, GRCh38 coordinates, 1-based), cytogenetic band Xq28.
Identifiers: ClinVar variation 4796247 (VCV004796247.1).

ClinVar aggregate classification (germline): Uncertain significance (1 of 4 stars; one submission).

Submission:

Medical Genetic Center, Changzhi Maternal and Child Health Care Hospital
Classification: Uncertain significance. Last evaluated: 2025-12-10. Review status: criteria provided, single submitter. Criteria: ACMG/ClinGen CNV Guidelines, 2019. Collection method: clinical testing. Allele origin: unknown.